The following is an entry in ClinVar:

CM000673.1:g.42151229_42185849dup

Variant type: Duplication.
Identifiers: ClinVar variation 157203 (VCV000157203.2).

ClinVar aggregate classification (germline): not provided (0 of 4 stars; one submission).

Conditions:
Preeclampsia. Identifiers: Orphanet 275555, MedGen C0032914, MONDO:0005081, HP:0100602.

Submission:

Institute of Molecular and Cell Biology, University of Tartu
No classification provided. Condition: Preeclampsia. Review status: no classification provided. Collection method: case-control. Allele origin: unknown. Affected: yes. Study: Kasak2014.
Comment: The study aimed to determine the contribution of copy number variants in the genetic etiology of normal and complicated pregnancies. The samples represented (i) maternal blood DNA drawn from healthy pregnant women during 1st or 2nd trimester and (ii) maternal and paternal blood DNA drawn at term pregnancy cases representing normal and complicated gestations (severe preeclampsia, PE; gestational diabetes, GD; small-for-gestational age newborn, SGA; large-for-gestational age newborn, LGA). We performed CNV calling based on genome-wide genotyping dataset (Illumina HumanOmniExpress-24-v1 BeadChip) by applying three algorithms, QuantiSNP, GADA (Genome Alteration Detection Algorithm) and CNstream in parallel. The acquired CNV calls were merged with HD-CNV (Hotspot Detector for Copy Number Variants) program and only the CNVs predicted by at least two programs, were considered in subsequent analysis.

Literature cited by the submitters: PubMed 25666259.